The following is an entry in ClinVar:

ClinVar aggregate classification (germline): Uncertain significance (0 of 4 stars; one submission).

Conditions:
CACNA1A-related disorder. Also called: CACNA1A-related condition.

Submission:

PreventionGenetics, part of Exact Sciences
Classification: Uncertain significance for CACNA1A-related condition. Last evaluated: 2024-06-10. Review status: no assertion criteria provided. Collection method: clinical testing. Allele origin: germline.
Comment: The CACNA1A c.2983G>C variant is predicted to result in the amino acid substitution p.Gly995Arg. To our knowledge, this variant has not been reported in the literature or in a large population database, indicating this variant is rare. At this time, the clinical significance of this variant is uncertain due to the absence of conclusive functional and genetic evidence.

NM_001127222.2(CACNA1A):c.2983G>C (p.Gly995Arg)

Gene: CACNA1A (calcium voltage-gated channel subunit alpha1 A; minus strand). Cytogenetic location: 19p13.13.
Variant type: single nucleotide variant.
Coding change: c.2983G>C on transcript NM_001127222.2 (MANE Select); coding-DNA position 2983, G replaced by C.
Protein change: p.Gly995Arg; replaces glycine 995 with arginine.
Molecular consequence: missense variant.
Genome position (GRCh38, 1-based): chr19:13,298,650, C>G on the plus strand (G>C on the coding strand, the complement: CACNA1A is on the minus strand). VCF-style: chr19-13298650-C-G. GRCh37 (hg19) VCF-style: chr19-13409464-C-G.
Other names: c.2995G>C, p.Gly999Arg (NM_000068.4, NM_023035.3); c.2986G>C, p.Gly996Arg (NM_001127221.2, NM_001174080.2); short protein forms G995R, G996R, G999R.
Identifiers: ClinVar variation 3345183 (VCV003345183.1).
Genomic context (GRCh38, chr19:13,298,650, plus strand): 5'-CCTCGTACGTGGCTGGAGCGCCATGCCGGTGCCTTCTCCTGCGCTCGCCCCCGTCGGGGC[C>G]CTCGCCCTCGCCCTCGCCGCCCCGGGCCGGCCGGCTGCCCTCGCGGTGCCGCGCCCTCCG-3'
Protein context (NP_001120694.1, residues 985-1005): PARGGEGEGE[Gly995Arg]PDGGERRRRH